The following is an entry in ClinVar:

ClinVar aggregate classification (germline): Uncertain significance (1 of 4 stars; one submission).

Submission:

Labcorp Genetics (formerly Invitae), Labcorp
Classification: Uncertain significance. Last evaluated: 2025-02-28. Review status: criteria provided, single submitter. Criteria: Invitae Variant Classification Sherloc (09022015). Collection method: clinical testing. Allele origin: germline.
Comment: This sequence change replaces serine, which is neutral and polar, with threonine, which is neutral and polar, at codon 3533 of the BSN protein (p.Ser3533Thr). This variant is not present in population databases (gnomAD no frequency). This variant has not been reported in the literature in individuals affected with BSN-related conditions. Experimental studies and prediction algorithms are not available or were not evaluated, and the functional significance of this variant is currently unknown. In summary, the available evidence is currently insufficient to determine the role of this variant in disease. Therefore, it has been classified as a Variant of Uncertain Significance.

NM_003458.4(BSN):c.10597T>A (p.Ser3533Thr)

Gene: BSN (bassoon presynaptic cytomatrix protein; plus strand). Cytogenetic location: 3p21.31.
Variant type: single nucleotide variant.
Coding change: c.10597T>A on transcript NM_003458.4 (MANE Select); coding-DNA position 10597, T replaced by A.
Protein change: p.Ser3533Thr; replaces serine 3533 with threonine.
Molecular consequence: missense variant.
Genome position (GRCh38, 1-based): chr3:49,662,442, T>A. VCF-style: chr3-49662442-T-A. GRCh37 (hg19) VCF-style: chr3-49699875-T-A.
Other names: short protein forms S3533T.
Identifiers: ClinVar variation 3662549 (VCV003662549.2).